The following is an entry in ClinVar:

NM_003738.5(PTCH2):c.1254C>T (p.Cys418=)

Gene: PTCH2 (patched 2; minus strand). Cytogenetic location: 1p34.1.
Variant type: single nucleotide variant.
Coding change: c.1254C>T on transcript NM_003738.5 (MANE Select); coding-DNA position 1254, C replaced by T.
Protein change: p.Cys418=; no amino-acid change (cysteine 418 retained).
Molecular consequence: synonymous variant.
Genome position (GRCh38, 1-based): chr1:44,829,274, G>A on the plus strand (C>T on the coding strand, the complement: PTCH2 is on the minus strand). VCF-style: chr1-44829274-G-A. GRCh37 (hg19) VCF-style: chr1-45294946-G-A.
Other names: c.1254C>T, p.Cys418= (NM_001166292.2).
Identifiers: ClinVar variation 2074355 (VCV002074355.29), dbSNP rs751031034, ClinGen allele CA823370.

ClinVar aggregate classification (germline): Likely benign. Review status: criteria provided, multiple submitters, no conflicts (2 of 4 stars). 3 submissions from 3 submitters: Likely benign (3). Last evaluated 2023-03-09.

Conditions:
Gorlin syndrome. Also called: Nevoid Basal Cell Carcinoma Syndrome; Basal cell nevus syndrome. Identifiers: Orphanet 377, MedGen C0004779, MONDO:0007187.

Allele frequency attached by ClinVar (database versions not stated): ExAC 0.00001; gnomAD 0.00001; gnomAD exomes 0.00001.
gnomAD v4.1: 10 of 1,613,358 alleles (0.00062%); highest among the groups gnomAD compares: East Asian, 0.0022%; no homozygotes.

Submissions (3):

Labcorp Genetics (formerly Invitae), Labcorp
Classification: Likely benign for Gorlin syndrome. Last evaluated: 2023-03-09. Review status: criteria provided, single submitter. Criteria: Invitae Variant Classification Sherloc (09022015). Collection method: clinical testing. Allele origin: germline.

CeGaT Center for Human Genetics Tuebingen
Classification: Likely benign. Last evaluated: 2022-04-01. Review status: criteria provided, single submitter. Criteria: CeGaT Center For Human Genetics Tuebingen Variant Classification Criteria Version 2. Collection method: clinical testing. Allele origin: germline. Affected: yes. Observed: 1 variant allele.
Comment: PTCH2: BP4, BP7

Blueprint Genetics
Classification: Likely benign. Last evaluated: 2021-03-26. Review status: criteria provided, single submitter. Criteria: ACMG Guidelines, 2015. Collection method: clinical testing. Allele origin: germline.